The following is an entry in ClinVar:

ClinVar aggregate classification (germline): Uncertain significance. Review status: criteria provided, multiple submitters, no conflicts (2 of 4 stars). 3 submissions from 3 submitters: Uncertain significance (3). Last evaluated 2026-03-23.

Conditions:
Hereditary pancreatitis (PCTT). Also called: Hereditary chronic pancreatitis; PRSS1-Related Hereditary Pancreatitis. Identifiers: Orphanet 676, MedGen C0238339, MONDO:0008185, OMIM 167800.
Cystic fibrosis (CF). Also called: MUCOVISCIDOSIS. Identifiers: Orphanet 586, MedGen C0010674, MONDO:0009061, OMIM 219700. Disease mechanism: loss of function.

Allele frequency attached by ClinVar (database versions not stated): TOPMed below 0.00001; ExAC 0.00001; gnomAD 0.00001; gnomAD exomes 0.00001.
gnomAD v4.1: 10 of 1,602,524 alleles (0.00062%); highest among the groups gnomAD compares: South Asian, 0.0044%; no homozygotes.

Submissions (3):

Women's Health and Genetics/Laboratory Corporation of America, LabCorp
Classification: Uncertain significance. Last evaluated: 2026-03-23. Review status: criteria provided, single submitter. Criteria: LabCorp Variant Classification Summary - May 2015. Collection method: clinical testing. Allele origin: germline.
Comment: Variant summary: CFTR c.1744A>T (p.Thr582Ser) results in a conservative amino acid change located in the ABC transporter-like, ATP-binding domain (IPR003439) of the encoded protein sequence. Algorithms developed to predict the effect of missense changes on protein structure and function are either unavailable or do not agree on the potential impact of this missense change. The variant allele was found at a frequency of 4e-06 in 250028 control chromosomes. c.1744A>T has been reported in an individual with bronchiectasis as well as an individual with CBAVD, however, both individuals were pancreatic sufficient, had sweat chloride levels greater than 60 mmol/L, and a second CFTR allele was not identified in either case (Cystic Fibrosis Mutation Database). Additionally, in the literature, the variant has been reported in the heterozygous state in infertile patients (Chamayou_2019, Chamayou_2020), but was also reported in controls (Morea_2005). These report(s) do not provide unequivocal conclusions about association of the variant with Cystic Fibrosis. At least one functional study reports experimental evidence evaluating an impact on protein function. The most pronounced variant effect resulted in approximately 45% of normal chloride channel conductance relative to wild type (e.g., Bihler_2024). The following publications have been ascertained in the context of this evaluation (PMID: 15463919, 38388235, 32357917, 31848897, 35913788, 25880441, 16126774, 25735457, 26277102). ClinVar contains an entry for this variant (Variation ID: 1704501). Based on the evidence outlined above, the variant was classified as VUS-possibly pathogenic.

Ambry Genetics
Classification: Uncertain significance for Cystic fibrosis. Last evaluated: 2024-11-15. Review status: criteria provided, single submitter. Criteria: Ambry Variant Classification Scheme 2023. Collection method: clinical testing. Allele origin: germline.
Comment: The p.T582S variant (also known as c.1744A>T), located in coding exon 13 of the CFTR gene, results from an A to T substitution at nucleotide position 1744. The threonine at codon 582 is replaced by serine, an amino acid with similar properties. This alteration has been identified in an unaffected control individual (Morea A et al. Mol Hum Reprod, 2005 Aug;11:607-14). This amino acid position is highly conserved in available vertebrate species. In addition, this alteration is predicted to be deleterious by in silico analysis. Since supporting evidence is limited at this time, the clinical significance of this alteration remains unclear.

MGZ Medical Genetics Center
Classification: Uncertain significance for Hereditary pancreatitis. Last evaluated: 2022-02-21. Review status: criteria provided, single submitter. Criteria: ACMG Guidelines, 2015. Collection method: clinical testing. Allele origin: germline. Affected: yes. Observed: 1 variant allele.
Comment: ACMG criteria applied: PM5, PM2_SUP, PP3

Literature cited by the submitters: PubMed 16126774 (cited by Women's Health and Genetics/Laboratory Corporation of America, LabCorp and Ambry Genetics); PubMed 15463919 (cited by Women's Health and Genetics/Laboratory Corporation of America, LabCorp); PubMed 25735457 (cited by Women's Health and Genetics/Laboratory Corporation of America, LabCorp); PubMed 25880441 (cited by Women's Health and Genetics/Laboratory Corporation of America, LabCorp); PubMed 26277102 (cited by Women's Health and Genetics/Laboratory Corporation of America, LabCorp); PubMed 32357917 (cited by Women's Health and Genetics/Laboratory Corporation of America, LabCorp); PubMed 31848897 (cited by Women's Health and Genetics/Laboratory Corporation of America, LabCorp); PubMed 35913788 (cited by Women's Health and Genetics/Laboratory Corporation of America, LabCorp); PubMed 38388235 (cited by Women's Health and Genetics/Laboratory Corporation of America, LabCorp).

NM_000492.4(CFTR):c.1744A>T (p.Thr582Ser)

Gene: CFTR (CF transmembrane conductance regulator; plus strand). Cytogenetic location: 7q31.2.
Variant type: single nucleotide variant.
Coding change: c.1744A>T on transcript NM_000492.4 (MANE Select); coding-DNA position 1744, A replaced by T.
Protein change: p.Thr582Ser; replaces threonine 582 with serine.
Molecular consequence: missense variant.
Genome position (GRCh38, 1-based): chr7:117,590,417, A>T. VCF-style: chr7-117590417-A-T. GRCh37 (hg19) VCF-style: chr7-117230471-A-T.
Other names: short protein forms T582S.
Identifiers: ClinVar variation 1704501 (VCV001704501.9), dbSNP rs397508292, ClinGen allele CA326649.